The following is an entry in ClinVar:

NM_153240.5(NPHP3):c.981A>C (p.Arg327Ser)

Genes: NPHP3 (nephrocystin 3; minus strand), NPHP3-ACAD11 (NPHP3-ACAD11 readthrough (NMD candidate); minus strand). Cytogenetic location: 3q22.1.
Variant type: single nucleotide variant.
Coding change: c.981A>C on transcript NM_153240.5 (MANE Select); coding-DNA position 981, A replaced by C.
Protein change: p.Arg327Ser; replaces arginine 327 with serine.
Molecular consequence: missense variant. On other transcripts: non-coding transcript variant (1).
Genome position (GRCh38, 1-based): chr3:132,713,263, T>G on the plus strand (A>C on the coding strand, the complement: NPHP3 is on the minus strand). VCF-style: chr3-132713263-T-G. GRCh37 (hg19) VCF-style: chr3-132432107-T-G.
Other names: c.981A>C (NM_153240.4); short protein forms R327S.
Identifiers: ClinVar variation 500947 (VCV000500947.13), dbSNP rs562721694, ClinGen allele CA2622440.

ClinVar aggregate classification (germline): Uncertain significance. Review status: criteria provided, multiple submitters, no conflicts (2 of 4 stars). 4 submissions from 4 submitters: Uncertain significance (4). Last evaluated 2025-04-10.

Conditions:
Nephronophthisis. Also called: Juvenile Nephronophthisis. Identifiers: Orphanet 655, MedGen C0687120, MONDO:0019005, HP:0000090.
Nephronophthisis 3 (NPHP3). Also called: Adolescent nephronophthisis. Identifiers: Orphanet 655, MedGen C1858392, MONDO:0011456, OMIM 604387.
NPHP3-related Meckel-like syndrome. Also called: Meckel syndrome type 7; GOLDSTON SYNDROME. Identifiers: Orphanet 3032, MedGen C2673885, MONDO:0009966, OMIM 267010.
Renal-hepatic-pancreatic dysplasia 1 (RHPD1). Identifiers: MedGen C3715199, MONDO:0008833, OMIM 208540.
Inborn genetic diseases. Identifiers: MedGen C0950123, MeSH D030342.

Allele frequency attached by ClinVar (database versions not stated): gnomAD exomes 0.00002; ExAC 0.00003; gnomAD 0.00009 and 0.00010; TOPMed 0.00010; 1000 Genomes Project 30x 0.00016; 1000 Genomes Project 0.00020.
gnomAD v4.1: 27 of 1,602,570 alleles (0.0017%); highest among the groups gnomAD compares: African/African-American, 0.024%; no homozygotes.

Submissions (4):

Ambry Genetics
Classification: Uncertain significance for Inborn genetic diseases. Last evaluated: 2025-04-10. Review status: criteria provided, single submitter. Criteria: Ambry Variant Classification Scheme 2023. Collection method: clinical testing. Allele origin: germline.

Fulgent Genetics
Classification: Uncertain significance for Renal-hepatic-pancreatic dysplasia 1; NPHP3-related Meckel-like syndrome; Nephronophthisis 3. Last evaluated: 2023-12-28. Review status: criteria provided, single submitter. Criteria: ACMG Guidelines, 2015. Collection method: clinical testing. Allele origin: germline.

Labcorp Genetics (formerly Invitae), Labcorp
Classification: Uncertain significance for Nephronophthisis. Last evaluated: 2022-08-03. Review status: criteria provided, single submitter. Criteria: Invitae Variant Classification Sherloc (09022015). Collection method: clinical testing. Allele origin: germline.
Comment: This sequence change replaces arginine, which is basic and polar, with serine, which is neutral and polar, at codon 327 of the NPHP3 protein (p.Arg327Ser). This variant is present in population databases (rs562721694, gnomAD 0.03%). This variant has not been reported in the literature in individuals affected with NPHP3-related conditions. ClinVar contains an entry for this variant (Variation ID: 500947). Algorithms developed to predict the effect of missense changes on protein structure and function are either unavailable or do not agree on the potential impact of this missense change (SIFT: "Deleterious"; PolyPhen-2: "Benign"; Align-GVGD: "Class C0"). In summary, the available evidence is currently insufficient to determine the role of this variant in disease. Therefore, it has been classified as a Variant of Uncertain Significance.

Eurofins Ntd Llc (ga)
Classification: Uncertain significance. Last evaluated: 2017-03-20. Review status: criteria provided, single submitter. Criteria: EGL Classification Definitions 2015. Collection method: clinical testing. Allele origin: germline. Observed: 1 variant allele, 1 heterozygote.